The following is an entry in ClinVar:

ClinVar aggregate classification (germline): Benign/Likely benign. Review status: criteria provided, multiple submitters, no conflicts (2 of 4 stars). 5 submissions from 5 submitters: Benign (1); Likely benign (4). Last evaluated 2026-06-01.

Allele frequency attached by ClinVar (database versions not stated): 1000 Genomes Project 0.00040; 1000 Genomes Project 30x 0.00078; ESP Exome Variant Server 0.00201; gnomAD 0.00220 and 0.00225; ExAC 0.00229; gnomAD exomes 0.00248 and 0.00302; TOPMed 0.00253.
gnomAD v4.1: 4,708 of 1,608,828 alleles (0.29%); highest among the groups gnomAD compares: Admixed American, 0.35%; 14 homozygotes.

Submissions (5):

CeGaT Center for Human Genetics Tuebingen
Classification: Likely benign. Last evaluated: 2026-06-01. Review status: criteria provided, single submitter. Criteria: CeGaT Center For Human Genetics Tuebingen Variant Classification Criteria Version 2. Collection method: clinical testing. Allele origin: germline. Affected: yes. Observed: 1 variant allele.
Comment: KRT14: BP4, BS2

Labcorp Genetics (formerly Invitae), Labcorp
Classification: Benign. Last evaluated: 2026-01-02. Review status: criteria provided, single submitter. Criteria: Invitae Variant Classification Sherloc (09022015). Collection method: clinical testing. Allele origin: germline.

Blueprint Genetics
Classification: Likely benign. Last evaluated: 2024-11-22. Review status: criteria provided, single submitter. Criteria: ACMG Guidelines, 2015. Collection method: clinical testing. Allele origin: germline.

Breakthrough Genomics
Classification: Likely benign. Review status: criteria provided, single submitter. Criteria: ACMG Guidelines, 2015. Collection method: not provided. Allele origin: germline. Inheritance: Autosomal recessive inheritance. Affected: yes.

PreventionGenetics, part of Exact Sciences
Classification: Likely benign. Review status: criteria provided, single submitter. Criteria: ACMG Guidelines, 2015. Collection method: clinical testing. Allele origin: germline.

NM_000526.5(KRT14):c.202G>A (p.Gly68Ser)

Gene: KRT14 (keratin 14; minus strand). Cytogenetic location: 17q21.2.
Variant type: single nucleotide variant.
Coding change: c.202G>A on transcript NM_000526.5 (MANE Select); coding-DNA position 202, G replaced by A.
Protein change: p.Gly68Ser; replaces glycine 68 with serine.
Molecular consequence: missense variant.
Genome position (GRCh38, 1-based): chr17:41,586,633, C>T on the plus strand (G>A on the coding strand, the complement: KRT14 is on the minus strand). VCF-style: chr17-41586633-C-T. GRCh37 (hg19) VCF-style: chr17-39742885-C-T.
Other names: short protein forms G68S.
Identifiers: ClinVar variation 256363 (VCV000256363.14), dbSNP rs142137272, ClinGen allele CA8562786.